The following is an entry in ClinVar:

ClinVar aggregate classification (germline): Conflicting classifications of pathogenicity. Review status: criteria provided, conflicting classifications (1 of 4 stars). 5 submissions from 5 submitters: Uncertain significance (3); Likely benign (2). Last evaluated 2025-10-13.

Conditions:
Hereditary breast ovarian cancer syndrome. Also called: Hereditary breast and ovarian cancer syndrome; Hereditary breast and/or ovarian cancer syndrome; BRCA1- and BRCA2-Associated Hereditary Breast and Ovarian Cancer; Hereditary breast and ovarian cancer syndrome (HBOC); Hereditary breast and ovarian cancer; Breast and ovarian cancer. Identifiers: Orphanet 145, MedGen C0677776, MeSH D061325, MONDO:0003582. Disease mechanism: loss of function.
Hereditary cancer-predisposing syndrome. Also called: Hereditary neoplastic syndrome; Neoplastic Syndromes, Hereditary; Tumor predisposition; Hereditary Cancer Syndrome. Identifiers: Orphanet 140162, MedGen C0027672, MeSH D009386, MONDO:0015356.
Breast-ovarian cancer, familial, susceptibility to, 2 (BROVCA2). Also called: BRCA2 Hereditary Breast and Ovarian Cancer. Identifiers: Orphanet 145, MedGen C2675520, MONDO:0012933, OMIM 612555. Disease mechanism: loss of function.

Allele frequency attached by ClinVar (database versions not stated): gnomAD exomes below 0.00001; ExAC 0.00001.
gnomAD v4.1: 4 of 1,607,532 alleles (0.00025%); highest among the groups gnomAD compares: Non-Finnish European, 0.00025%; no homozygotes.

Submissions (5):

Labcorp Genetics (formerly Invitae), Labcorp
Classification: Uncertain significance for Hereditary breast ovarian cancer syndrome. Last evaluated: 2025-10-13. Review status: criteria provided, single submitter. Criteria: Invitae Variant Classification Sherloc (09022015). Collection method: clinical testing. Allele origin: germline.
Comment: This sequence change replaces leucine, which is neutral and non-polar, with serine, which is neutral and polar, at codon 1051 of the BRCA2 protein (p.Leu1051Ser). This variant is present in population databases (rs778281493, gnomAD 0.0009%). This missense change has been observed in individual(s) with clinical features of BRCA2-related conditions (PMID: 21120943, 21520333, 35264596, 35534704). ClinVar contains an entry for this variant (Variation ID: 409474). Invitae Evidence Modeling of protein sequence and biophysical properties (such as structural, functional, and spatial information, amino acid conservation, physicochemical variation, residue mobility, and thermodynamic stability) indicates that this missense variant is not expected to disrupt BRCA2 protein function with a negative predictive value of 95%. In summary, the available evidence is currently insufficient to determine the role of this variant in disease. Therefore, it has been classified as a Variant of Uncertain Significance.

Color Diagnostics, LLC DBA Color Health
Classification: Uncertain significance for Hereditary cancer-predisposing syndrome. Last evaluated: 2024-06-25. Review status: criteria provided, single submitter. Criteria: ACMG Guidelines, 2015. Collection method: clinical testing. Allele origin: germline.
Comment: This missense variant replaces leucine with serine at codon 1051 of the BRCA2 protein. Computational prediction suggests that this variant may not impact protein structure and function (internally defined REVEL score threshold <= 0.5, PMID: 27666373). To our knowledge, functional studies have not been reported for this variant. This variant has been detected in a breast cancer case-control meta-analysis in 1/60466 cases and 1/53461 unaffected individuals (PMID: 33471991; Leiden Open Variation Database DB-ID BRCA2_001410) and in individuals suspected to be at-risk for hereditary breast and ovarian cancer (PMID: 21120943, 35534704). A multifactorial analysis has reported a likelihood ratio for pathogenicity based on tumor pathology of 0.3922 (PMID: 31131967). This variant has been identified in 1/246462 chromosomes in the general population by the Genome Aggregation Database (gnomAD). The available evidence is insufficient to determine the role of this variant in disease conclusively. Therefore, this variant is classified as a Variant of Uncertain Significance.

University of Washington Department of Laboratory Medicine, University of Washington
Classification: Likely benign for Hereditary cancer-predisposing syndrome. Last evaluated: 2023-03-23. Review status: criteria provided, single submitter. Criteria: Dines et al. (Genet Med. 2020). Collection method: curation. Allele origin: germline.
Comment: Missense variant in a coldspot region where missense variants are very unlikely to be pathogenic (PMID:31911673).

BRCA2 exon 11 coldspot. Reclassification based on statistical prior probability.

Ambry Genetics
Classification: Likely benign for Hereditary cancer-predisposing syndrome. Last evaluated: 2023-01-21. Review status: criteria provided, single submitter. Criteria: Ambry Variant Classification Scheme 2023. Collection method: clinical testing. Allele origin: germline.

Mendelics
Classification: Uncertain significance for Breast-ovarian cancer, familial, susceptibility to, 2. Last evaluated: 2019-05-28. Review status: criteria provided, single submitter. Criteria: Mendelics Assertion Criteria 2017. Collection method: clinical testing. Allele origin: unknown.

Literature cited by the submitters: PubMed 21120943 (cited by Labcorp Genetics (formerly Invitae), Labcorp and Color Diagnostics, LLC DBA Color Health); PubMed 21520333 (cited by Labcorp Genetics (formerly Invitae), Labcorp); PubMed 35264596 (cited by Labcorp Genetics (formerly Invitae), Labcorp); PubMed 35534704 (cited by Labcorp Genetics (formerly Invitae), Labcorp and Color Diagnostics, LLC DBA Color Health); PubMed 31131967 (cited by Color Diagnostics, LLC DBA Color Health); PubMed 33471991 (cited by Color Diagnostics, LLC DBA Color Health).

NM_000059.4(BRCA2):c.3152T>C (p.Leu1051Ser)

Gene: BRCA2 (BRCA2 DNA repair associated; plus strand). Cytogenetic location: 13q13.1.
Variant type: single nucleotide variant.
Coding change: c.3152T>C on transcript NM_000059.4 (MANE Select); coding-DNA position 3152, T replaced by C.
Protein change: p.Leu1051Ser; replaces leucine 1051 with serine.
Molecular consequence: missense variant.
Genome position (GRCh38, 1-based): chr13:32,337,507, T>C. VCF-style: chr13-32337507-T-C. GRCh37 (hg19) VCF-style: chr13-32911644-T-C.
Other names: short protein forms L1051S.
Identifiers: ClinVar variation 409474 (VCV000409474.23), dbSNP rs778281493, ClinGen allele CA6940671.